The following is an entry in ClinVar:

ClinVar aggregate classification (germline): Uncertain significance. Review status: criteria provided, multiple submitters, no conflicts (2 of 4 stars). 2 submissions from 2 submitters: Uncertain significance (2). Last evaluated 2024-04-25.

Conditions:
Charcot-Marie-Tooth disease, type I (CMT1). Also called: Charcot-Marie-Tooth disease type 1; Charcot-Marie-Tooth, Type 1. Identifiers: Orphanet 65753, MedGen C0751036, MONDO:0019011.

Allele frequency attached by ClinVar (database versions not stated): gnomAD exomes below 0.00001.
gnomAD v4.1: 1 of 1,612,902 alleles (0.000062%); highest among the groups gnomAD compares: Non-Finnish European, 0.000085%; no homozygotes.

Submissions (2):

Labcorp Genetics (formerly Invitae), Labcorp
Classification: Uncertain significance for Charcot-Marie-Tooth disease, type I. Last evaluated: 2024-04-25. Review status: criteria provided, single submitter. Criteria: Invitae Variant Classification Sherloc (09022015). Collection method: clinical testing. Allele origin: germline.
Comment: This sequence change replaces lysine, which is basic and polar, with glutamic acid, which is acidic and polar, at codon 414 of the EGR2 protein (p.Lys414Glu). This variant is not present in population databases (gnomAD no frequency). This variant has not been reported in the literature in individuals affected with EGR2-related conditions. ClinVar contains an entry for this variant (Variation ID: 2413053). Advanced modeling of protein sequence and biophysical properties (such as structural, functional, and spatial information, amino acid conservation, physicochemical variation, residue mobility, and thermodynamic stability) performed at Invitae indicates that this missense variant is expected to disrupt EGR2 protein function with a positive predictive value of 80%. In summary, the available evidence is currently insufficient to determine the role of this variant in disease. Therefore, it has been classified as a Variant of Uncertain Significance.

GeneDx
Classification: Uncertain significance. Last evaluated: 2022-07-30. Review status: criteria provided, single submitter. Criteria: GeneDx Variant Classification Process June 2021. Collection method: clinical testing. Allele origin: germline. Affected: yes.
Comment: Not observed at significant frequency in large population cohorts (gnomAD); In silico analysis supports that this missense variant has a deleterious effect on protein structure/function; Has not been previously published as pathogenic or benign to our knowledge; This variant is associated with the following publications: (PMID: 16775366, 26204789)

NM_000399.5(EGR2):c.1240A>G (p.Lys414Glu)

Gene: EGR2 (early growth response 2; minus strand). Cytogenetic location: 10q21.3.
Variant type: single nucleotide variant.
Coding change: c.1240A>G on transcript NM_000399.5 (MANE Select); coding-DNA position 1240, A replaced by G.
Protein change: p.Lys414Glu; replaces lysine 414 with glutamic acid.
Molecular consequence: missense variant.
Genome position (GRCh38, 1-based): chr10:62,813,398, T>C on the plus strand (A>G on the coding strand, the complement: EGR2 is on the minus strand). VCF-style: chr10-62813398-T-C. GRCh37 (hg19) VCF-style: chr10-64573158-T-C.
Other names: c.1240A>G, p.Lys414Glu (NM_001136177.3, NM_001136178.2); c.1090A>G, p.Lys364Glu (NM_001136179.3, NM_001321037.2); c.1279A>G, p.Lys427Glu (NM_001410931.1); short protein forms K364E, K414E, K427E.
Identifiers: ClinVar variation 2413053 (VCV002413053.5), dbSNP rs2492293355, ClinGen allele CA377027281.
Genomic context (GRCh38, chr10:62,813,398, plus strand): 5'-ATGCAGAGGGGGCACTGCTTTTCCGCTCTTTCTGTCTCAGGTGGATCTTGGTGTGGCGCT[T>C]CCTCTCATCACTCCGGGCAAACTTTCGGCCACAGTAGTCACAGGCGAAGGGCTTCTCACC-3'
Protein context (NP_000390.2, residues 404-424): GRKFARSDER[Lys414Glu]RHTKIHLRQK